The following is an entry in ClinVar:

ClinVar aggregate classification (germline): Likely pathogenic. Review status: criteria provided, multiple submitters, no conflicts (2 of 4 stars). 2 submissions from 2 submitters: Likely pathogenic (2). Last evaluated 2026-01-31.

Conditions:
Dilated cardiomyopathy 1G (CMD1G). Identifiers: Orphanet 154, MedGen C1858763, MONDO:0011400, OMIM 604145.
Autosomal recessive limb-girdle muscular dystrophy type 2J (LGMDR10). Also called: Limb-girdle muscular dystrophy, type 2J; MUSCULAR DYSTROPHY, LIMB-GIRDLE, AUTOSOMAL RECESSIVE 10. Identifiers: Orphanet 140922, MedGen C1837342, MONDO:0012127, OMIM 608807.

gnomAD v4.1: 1 of 1,607,790 alleles (0.000062%); no homozygotes.

Submissions (2):

Labcorp Genetics (formerly Invitae), Labcorp
Classification: Likely pathogenic for Dilated cardiomyopathy 1G; Autosomal recessive limb-girdle muscular dystrophy type 2J. Last evaluated: 2026-01-31. Review status: criteria provided, single submitter. Criteria: Invitae Variant Classification Sherloc (09022015). Collection method: clinical testing. Allele origin: germline.
Comment: This sequence change creates a premature translational stop signal (p.Arg14526*) in the TTN gene. While this is not anticipated to result in nonsense mediated decay, it is expected to create a truncated TTN protein. This variant is not present in population databases (gnomAD no frequency). This variant has not been observed in the literature in individuals with autosomal recessive TTN-related conditions. This variant has been reported in individual(s) with autosomal dominant dilated cardiomyopathy (internal data); however, the role of the variant in this condition is currently unclear. ClinVar contains an entry for this variant (Variation ID: 1213390). This variant is located in the I band of TTN (PMID: 25589632). Truncating variants in this region have been reported in individuals affected with autosomal recessive centronuclear myopathy (PMID: 23975875, internal data). Truncating variants in this region have also been identified in individuals affected with autosomal dominant dilated cardiomyopathy and/or cardio-related conditions (PMID: 27869827, 32964742, internal data). In summary, the currently available evidence indicates that the variant is pathogenic, but additional data are needed to prove that conclusively. Therefore, this variant has been classified as Likely Pathogenic.

GeneDx
Classification: Likely pathogenic. Last evaluated: 2021-01-29. Review status: criteria provided, single submitter. Criteria: GeneDx Variant Classification Process June 2021. Collection method: clinical testing. Allele origin: germline. Affected: yes.
Comment: Has not been previously published as pathogenic or benign to our knowledge; Not observed in large population cohorts (Lek et al., 2016)

Literature cited by the submitters: PubMed 25589632 (cited by Labcorp Genetics (formerly Invitae), Labcorp); PubMed 23975875 (cited by Labcorp Genetics (formerly Invitae), Labcorp); PubMed 27869827 (cited by Labcorp Genetics (formerly Invitae), Labcorp); PubMed 32964742 (cited by Labcorp Genetics (formerly Invitae), Labcorp).

NM_001267550.2(TTN):c.43576C>T (p.Arg14526Ter)

Gene: TTN (titin; minus strand). Cytogenetic location: 2q31.2.
Variant type: single nucleotide variant.
Coding change: c.43576C>T on transcript NM_001267550.2 (MANE Select); coding-DNA position 43576, C replaced by T.
Protein change: p.Arg14526Ter; replaces arginine 14526 with a stop codon.
Molecular consequence: nonsense.
Genome position (GRCh38, 1-based): chr2:178,632,318, G>A on the plus strand (C>T on the coding strand, the complement: TTN is on the minus strand). VCF-style: chr2-178632318-G-A. GRCh37 (hg19) VCF-style: chr2-179497045-G-A.
Other names: c.38653C>T, p.Arg12885Ter (NM_001256850.1); c.16381C>T, p.Arg5461Ter (NM_003319.4); c.35872C>T, p.Arg11958Ter (NM_133378.4); c.16756C>T, p.Arg5586Ter (NM_133432.3); c.16957C>T, p.Arg5653Ter (NM_133437.4); short protein forms R11958*, R12885*, R14526*, R5461*, R5586*, R5653*.
Identifiers: ClinVar variation 1213390 (VCV001213390.6), dbSNP rs2154220622, ClinGen allele CA349649946.